The following is an entry in ClinVar:

NM_198253.3(TERT):c.2383-16_2383-15inv

Gene: TERT (telomerase reverse transcriptase; minus strand). Cytogenetic location: 5p15.33.
Variant type: Inversion.
Coding change: c.2383-16_2383-15inv on transcript NM_198253.3 (MANE Select).
Molecular consequence: intron variant.
Genome position: GRCh38 VCF-style: chr5-1271219-GG-CC. GRCh37 (hg19) VCF-style: chr5-1271334-GG-CC.
Other names: c.2383-16_2383-15inv (NM_001193376.3).
Identifiers: ClinVar variation 2117039 (VCV002117039.4), ClinGen allele CA2580072075.

ClinVar aggregate classification (germline): Uncertain significance (1 of 4 stars; one submission).

Conditions:
Dyskeratosis congenita, autosomal dominant 2. Identifiers: MedGen C3151443, MONDO:0013521, OMIM 613989.
Idiopathic Pulmonary Fibrosis. Also called: Idiopathic fibrosing alveolitis, chronic form; idiopathic fibrosing alveolitis. Identifiers: Orphanet 2032, MedGen C1800706, MeSH D054990, MONDO:0800504.

Submission:

Labcorp Genetics (formerly Invitae), Labcorp
Classification: Uncertain significance for Dyskeratosis congenita, autosomal dominant 2; Idiopathic Pulmonary Fibrosis. Last evaluated: 2022-07-11. Review status: criteria provided, single submitter. Criteria: Invitae Variant Classification Sherloc (09022015). Collection method: clinical testing. Allele origin: germline.
Comment: In summary, the available evidence is currently insufficient to determine the role of this variant in disease. Therefore, it has been classified as a Variant of Uncertain Significance. This variant has not been reported in the literature in individuals affected with TERT-related conditions. Information on the frequency of this variant in the gnomAD database is not available, as this variant may be reported differently in the database. This sequence change falls in intron 7 of the TERT gene. It does not directly change the encoded amino acid sequence of the TERT protein.